The following is an entry in ClinVar:

ClinVar aggregate classification (germline): Uncertain significance (1 of 4 stars; one submission).

Allele frequency attached by ClinVar (database versions not stated): gnomAD 0.00001.
gnomAD v4.1: 14 of 1,614,084 alleles (0.00087%); highest among the groups gnomAD compares: African/African-American, 0.0013%; no homozygotes.

Submission:

GeneDx
Classification: Uncertain significance. Last evaluated: 2022-06-28. Review status: criteria provided, single submitter. Criteria: GeneDx Variant Classification Process June 2021. Collection method: clinical testing. Allele origin: germline. Affected: yes.
Comment: Not observed at significant frequency in large population cohorts (gnomAD); In silico analysis supports that this missense variant has a deleterious effect on protein structure/function; Has not been previously published as pathogenic or benign to our knowledge

NM_016734.3(PAX5):c.644C>T (p.Pro215Leu)

Gene: PAX5 (paired box 5; minus strand). Cytogenetic location: 9p13.2.
Variant type: single nucleotide variant.
Coding change: c.644C>T on transcript NM_016734.3 (MANE Select); coding-DNA position 644, C replaced by T.
Protein change: p.Pro215Leu; replaces proline 215 with leucine.
Molecular consequence: missense variant. On other transcripts: non-coding transcript variant (2).
Genome position (GRCh38, 1-based): chr9:36,966,685, G>A on the plus strand (C>T on the coding strand, the complement: PAX5 is on the minus strand). VCF-style: chr9-36966685-G-A. GRCh37 (hg19) VCF-style: chr9-36966682-G-A.
Other names: c.644C>T, p.Pro215Leu (NM_001280552.2, NM_001280547.2, NM_001280548.2 and 2 more transcripts); c.515C>T, p.Pro172Leu (NM_001280553.2, NM_001280554.2); c.446C>T, p.Pro149Leu (NM_001280555.2); c.320C>T, p.Pro107Leu (NM_001280556.2, NM_001280551.2); short protein forms P107L, P149L, P172L, P215L.
Identifiers: ClinVar variation 1810051 (VCV001810051.1), dbSNP rs1220530661, ClinGen allele CA373486913.